The following is an entry in ClinVar:

ClinVar aggregate classification (germline): Uncertain significance (1 of 4 stars; one submission).

Conditions:
Bloom syndrome (BLM). Also called: Bloom-Torre-Machacek syndrome. Identifiers: Orphanet 125, MedGen C0005859, MONDO:0008876, OMIM 210900.

Submission:

Labcorp Genetics (formerly Invitae), Labcorp
Classification: Uncertain significance for Bloom syndrome. Last evaluated: 2023-05-12. Review status: criteria provided, single submitter. Criteria: Invitae Variant Classification Sherloc (09022015). Collection method: clinical testing. Allele origin: unknown.
Comment: In summary, the available evidence is currently insufficient to determine the role of this variant in disease. Therefore, it has been classified as a Variant of Uncertain Significance. Experimental studies and prediction algorithms are not available or were not evaluated, and the functional significance of this variant is currently unknown. This variant has not been reported in the literature in individuals affected with BLM-related conditions. This variant results in a copy number gain of the genomic region encompassing exon(s) 15-22 of the BLM gene. This region includes the termination codon of the gene. This copy number gain extends beyond the assayed region for this gene and therefore may encompass additional genes. As the precise location of this event is unknown, it may be in tandem or it may be located elsewhere in the genome.

NC_000015.9:g.(?_91333869)_(91358509_?)dup

Gene: BLM (BLM RecQ like helicase; plus strand). Cytogenetic location: 15q26.1.
Variant type: Duplication.
Identifiers: ClinVar variation 3243694 (VCV003243694.1).